The following is an entry in ClinVar:

NM_001267550.2(TTN):c.75832C>T (p.Arg25278Cys)

Genes: TTN (titin; minus strand), TTN-AS1 (TTN antisense RNA 1; plus strand). Cytogenetic location: 2q31.2.
Variant type: single nucleotide variant.
Coding change: c.75832C>T on transcript NM_001267550.2 (MANE Select); coding-DNA position 75832, C replaced by T.
Protein change: p.Arg25278Cys; replaces arginine 25278 with cysteine.
Molecular consequence: missense variant.
Genome position (GRCh38, 1-based): chr2:178,570,300, G>A on the plus strand (C>T on the coding strand, the complement: TTN is on the minus strand). VCF-style: chr2-178570300-G-A. GRCh37 (hg19) VCF-style: chr2-179435027-G-A.
Other names: c.70909C>T, p.Arg23637Cys (NM_001256850.1); c.48637C>T, p.Arg16213Cys (NM_003319.4); c.68128C>T, p.Arg22710Cys (NM_133378.4); c.49012C>T, p.Arg16338Cys (NM_133432.3); c.49213C>T, p.Arg16405Cys (NM_133437.4); short protein forms R16213C, R16338C, R16405C, R22710C, R23637C, R25278C.
Identifiers: ClinVar variation 1743654 (VCV001743654.5), dbSNP rs777445126, ClinGen allele CA1989996.

ClinVar aggregate classification (germline): Conflicting classifications of pathogenicity. Review status: criteria provided, conflicting classifications (1 of 4 stars). 4 submissions from 4 submitters: Uncertain significance (1); Likely benign (3). Last evaluated 2025-04-09.

Conditions:
Cardiovascular phenotype. Identifiers: MedGen CN230736.

Allele frequency attached by ClinVar (database versions not stated): gnomAD 0.00001 and 0.00002; TOPMed 0.00001 and 0.00002; ExAC 0.00002; gnomAD exomes 0.00002 and 0.00004.
gnomAD v4.1: 38 of 1,613,126 alleles (0.0024%); highest among the groups gnomAD compares: Middle Eastern, 0.033%; no homozygotes.

Submissions (4):

Molecular Diagnostic Laboratory for Inherited Cardiovascular Disease, Montreal Heart Institute
Classification: Likely benign. Last evaluated: 2025-04-09. Review status: criteria provided, single submitter. Criteria: ACMG Guidelines, 2015. Collection method: clinical testing. Allele origin: germline. Affected: no.
Comment: BP1

Revvity Omics, Revvity
Classification: Uncertain significance. Last evaluated: 2025-03-23. Review status: criteria provided, single submitter. Criteria: ACMG Guidelines, 2015. Collection method: clinical testing. Allele origin: germline.

Blueprint Genetics
Classification: Likely benign. Last evaluated: 2023-08-28. Review status: criteria provided, single submitter. Criteria: ACMG Guidelines, 2015. Collection method: clinical testing. Allele origin: germline.

Ambry Genetics
Classification: Likely benign for Cardiovascular phenotype. Last evaluated: 2020-02-20. Review status: criteria provided, single submitter. Criteria: Ambry Variant Classification Scheme 2023. Collection method: clinical testing. Allele origin: germline.